The following is an entry in ClinVar:

ClinVar aggregate classification (germline): Pathogenic/Likely pathogenic. Review status: criteria provided, multiple submitters, no conflicts (2 of 4 stars). 4 submissions from 4 submitters: Pathogenic (1); Likely pathogenic (3). Last evaluated 2026-01-22.

Conditions:
Autosomal recessive nonsyndromic hearing loss 3. Also called: NEUROSENSORY NONSYNDROMIC RECESSIVE DEAFNESS 3. Identifiers: Orphanet 90636, MedGen C1838263, MONDO:0010860, OMIM 600316.
MYO15A-related disorder. Also called: MYO15A-related condition.

Allele frequency attached by ClinVar (database versions not stated): ExAC 0.00002; gnomAD 0.00002; TOPMed 0.00003.
gnomAD v4.1: 48 of 1,613,786 alleles (0.003%); highest among the groups gnomAD compares: East Asian, 0.0045%; no homozygotes.

Submissions (4):

GeneDx
Classification: Likely pathogenic. Last evaluated: 2026-01-22. Review status: criteria provided, single submitter. Criteria: GeneDx Variant Classification Process June 2021. Collection method: clinical testing. Allele origin: germline.
Comment: Not observed at significant frequency in large population cohorts (gnomAD); In silico analysis supports that this missense variant has a deleterious effect on protein structure/function; This variant is associated with the following publications: (PMID: 29482514, 32826506)

Fulgent Genetics
Classification: Likely pathogenic for Autosomal recessive nonsyndromic hearing loss 3. Last evaluated: 2024-04-09. Review status: criteria provided, single submitter. Criteria: ACMG Guidelines, 2015. Collection method: clinical testing. Allele origin: germline.

Labcorp Genetics (formerly Invitae), Labcorp
Classification: Pathogenic. Last evaluated: 2024-02-25. Review status: criteria provided, single submitter. Criteria: Invitae Variant Classification Sherloc (09022015). Collection method: clinical testing. Allele origin: germline.
Comment: This sequence change replaces arginine, which is basic and polar, with histidine, which is basic and polar, at codon 1835 of the MYO15A protein (p.Arg1835His). This variant is present in population databases (rs752816535, gnomAD 0.01%). This missense change has been observed in individual(s) with deafness (PMID: 29482514). In at least one individual the data is consistent with being in trans (on the opposite chromosome) from a pathogenic variant. It has also been observed to segregate with disease in related individuals. Advanced modeling of protein sequence and biophysical properties (such as structural, functional, and spatial information, amino acid conservation, physicochemical variation, residue mobility, and thermodynamic stability) has been performed at Invitae for this missense variant, however the output from this modeling did not meet the statistical confidence thresholds required to predict the impact of this variant on MYO15A protein function. This variant disrupts the p.Arg1835 amino acid residue in MYO15A. Other variant(s) that disrupt this residue have been determined to be pathogenic (PMID: 29482514, 35346193). This suggests that this residue is clinically significant, and that variants that disrupt this residue are likely to be disease-causing. For these reasons, this variant has been classified as Pathogenic.

Blueprint Genetics
Classification: Likely pathogenic for MYO15A-related disorders. Last evaluated: 2021-08-16. Review status: criteria provided, single submitter. Criteria: ACMG Guidelines, 2015. Collection method: clinical testing. Allele origin: germline. Affected: yes. Observed: 1 variant allele.

Literature cited by the submitters: PubMed 29482514 (cited by Labcorp Genetics (formerly Invitae), Labcorp); PubMed 35346193 (cited by Labcorp Genetics (formerly Invitae), Labcorp).

NM_016239.4(MYO15A):c.5504G>A (p.Arg1835His)

Gene: MYO15A (myosin XVA; plus strand). Cytogenetic location: 17p11.2.
Variant type: single nucleotide variant.
Coding change: c.5504G>A on transcript NM_016239.4 (MANE Select); coding-DNA position 5504, G replaced by A.
Protein change: p.Arg1835His; replaces arginine 1835 with histidine.
Molecular consequence: missense variant.
Genome position (GRCh38, 1-based): chr17:18,141,116, G>A. VCF-style: chr17-18141116-G-A. GRCh37 (hg19) VCF-style: chr17-18044430-G-A.
Other names: c.5504G>A (NM_016239.3); short protein forms R1835H.
Identifiers: ClinVar variation 2743388 (VCV002743388.6), dbSNP rs752816535, ClinGen allele CA8424299.
Genomic context (GRCh38, chr17:18,141,116, plus strand): 5'-AATTACGCTATTCAGGGGTGCTGGAGACCGTGAGGATCCGCAAGGAGGGATTTCCAGTGC[G>A]CCTGCCTTTCCAGGGGTTCATCGACAGGTATCTTGGTTACGGTAGTTCCTGAGCTCTACA-3'
Protein context (NP_057323.3, residues 1825-1845): VRIRKEGFPV[Arg1835His]LPFQGFIDRY